The following is an entry in ClinVar:

ClinVar aggregate classification (germline): Uncertain significance (1 of 4 stars; one submission).

Submission:

Ambry Genetics
Classification: Uncertain significance. Last evaluated: 2024-02-22. Review status: criteria provided, single submitter. Criteria: Ambry Variant Classification Scheme 2023. Collection method: clinical testing. Allele origin: germline.
Comment: The p.D146N variant (also known as c.436G>A), located in coding exon 4 of the RECQL gene, results from a G to A substitution at nucleotide position 436. The aspartic acid at codon 146 is replaced by asparagine, an amino acid with highly similar properties. This amino acid position is highly conserved in available vertebrate species. In addition, this alteration is predicted to be tolerated by in silico analysis. Since supporting evidence is limited at this time, the clinical significance of this alteration remains unclear.

NM_002907.4(RECQL):c.436G>A (p.Asp146Asn)

Gene: RECQL (RecQ like helicase; minus strand). Cytogenetic location: 12p12.1.
Variant type: single nucleotide variant.
Coding change: c.436G>A on transcript NM_002907.4 (MANE Select); coding-DNA position 436, G replaced by A.
Protein change: p.Asp146Asn; replaces aspartic acid 146 with asparagine.
Molecular consequence: missense variant.
Genome position (GRCh38, 1-based): chr12:21,486,544, C>T on the plus strand (G>A on the coding strand, the complement: RECQL is on the minus strand). VCF-style: chr12-21486544-C-T. GRCh37 (hg19) VCF-style: chr12-21639478-C-T.
Other names: c.436G>A, p.Asp146Asn (NM_032941.3); short protein forms D146N.
Identifiers: ClinVar variation 1740077 (VCV001740077.2), dbSNP rs1943300377, ClinGen allele CA384130221.